The following is an entry in ClinVar:

ClinVar aggregate classification (germline): Uncertain significance (1 of 4 stars; one submission).

gnomAD v4.1: 11 of 1,613,438 alleles (0.00068%); highest among the groups gnomAD compares: South Asian, 0.0088%; 1 homozygote.

Submission:

Labcorp Genetics (formerly Invitae), Labcorp
Classification: Uncertain significance. Last evaluated: 2025-12-17. Review status: criteria provided, single submitter. Criteria: Invitae Variant Classification Sherloc (09022015). Collection method: clinical testing. Allele origin: germline.
Comment: This sequence change replaces isoleucine, which is neutral and non-polar, with threonine, which is neutral and polar, at codon 1610 of the USH2A protein (p.Ile1610Thr). This variant is present in population databases (rs776263307, gnomAD 0.01%), including at least one homozygous and/or hemizygous individual. This variant has not been reported in the literature in individuals affected with USH2A-related conditions. Invitae Evidence Modeling of protein sequence and biophysical properties (such as structural, functional, and spatial information, amino acid conservation, physicochemical variation, residue mobility, and thermodynamic stability) has been performed for this missense variant. However, the output from this modeling did not meet the statistical confidence thresholds required to predict the impact of this variant on USH2A protein function. In summary, the available evidence is currently insufficient to determine the role of this variant in disease. Therefore, it has been classified as a Variant of Uncertain Significance.

NM_206933.4(USH2A):c.4829T>C (p.Ile1610Thr)

Gene: USH2A (usherin; minus strand). Cytogenetic location: 1q41.
Variant type: single nucleotide variant.
Coding change: c.4829T>C on transcript NM_206933.4 (MANE Select); coding-DNA position 4829, T replaced by C.
Protein change: p.Ile1610Thr; replaces isoleucine 1610 with threonine.
Molecular consequence: missense variant.
Genome position (GRCh38, 1-based): chr1:216,089,069, A>G on the plus strand (T>C on the coding strand, the complement: USH2A is on the minus strand). VCF-style: chr1-216089069-A-G. GRCh37 (hg19) VCF-style: chr1-216262411-A-G.
Other names: short protein forms I1610T.
Identifiers: ClinVar variation 4737847 (VCV004737847.1).